The following is an entry in ClinVar:

ClinVar aggregate classification (germline): Conflicting classifications of pathogenicity. Review status: criteria provided, conflicting classifications (1 of 4 stars). 6 submissions from 6 submitters: Uncertain significance (4); Likely benign (1). 1 of the submissions does not count toward it. Last evaluated 2026-08-27.

Conditions:
Peroxisome biogenesis disorder 1B (PBD1B). Also called: Refsum disease, infantile form; Infantile Refsum disease; Infantile form of phytanic acid storage disease; PEROXISOME BIOGENESIS DISORDER (NEONATAL ADRENOLEUKODYSTROPHY/INFANTILE REFSUM DISEASE); INFANTILE PHYTANIC ACID STORAGE DISEASE; PEROXISOME BIOGENESIS DISORDER (NALD/IRD). Identifiers: Orphanet 44, MedGen C0282527, MONDO:0011101, OMIM 601539.
Heimler syndrome 1 (HMLR1). Also called: PEROXISOME BIOGENESIS DISORDER 1C. Identifiers: Orphanet 3220, MedGen C4551980, OMIM 234580, MONDO:0024544.
Peroxisome biogenesis disorder 1A (Zellweger) (PBD1A). Also called: Zellweger leukodystrophy; Peroxisome biogenesis disorder 1a. Identifiers: MedGen C4721541, MONDO:0008953, OMIM 214100.
Inborn genetic diseases. Identifiers: MedGen C0950123, MeSH D030342.
PEX1-related disorder. Also called: PEX1-related condition.
Zellweger spectrum disorders (ZS). Also called: Zellweger syndrome; Zellweger Spectrum Disorder; Zellweger Spectrum; Zellweger Spectrum Disorder (ZSD). Identifiers: Orphanet 912, MedGen C0043459, MONDO:0019609.

Allele frequency attached by ClinVar (database versions not stated): TOPMed 0.00002.
gnomAD v4.1: 14 of 1,613,798 alleles (0.00087%); highest among the groups gnomAD compares: East Asian, 0.011%; no homozygotes.

Submissions (6):

Ambry Genetics
Classification: Uncertain significance for Inborn genetic diseases. Last evaluated: 2026-08-27. Review status: criteria provided, single submitter. Criteria: Ambry Variant Classification Scheme 2023. Collection method: clinical testing. Allele origin: germline.
Comment: The c.898G>T (p.A300S) alteration is located in exon 5 (coding exon 5) of the PEX1 gene. This alteration results from a G to T substitution at nucleotide position 898, causing the alanine (A) at amino acid position 300 to be replaced by a serine (S). Based on data from gnomAD, the T allele has an overall frequency of 0.003% (8/251088) total alleles studied. The highest observed frequency was 0.033% (6/18394) of East Asian alleles. Based on insufficient or conflicting evidence, the clinical significance of this alteration remains unclear.

PreventionGenetics, part of Exact Sciences
Classification: Uncertain significance for PEX1-related condition. Last evaluated: 2026-07-27. Review status: criteria provided, single submitter. Criteria: ACMG Guidelines, 2015. Collection method: clinical testing. Allele origin: germline.
Comment: The PEX1 c.898G>T variant is predicted to result in the amino acid substitution p.Ala300Ser. To our knowledge, this variant has not been reported in the literature. This variant is reported in 0.033% of alleles in individuals of East Asian descent in gnomAD. At this time, the clinical significance of this variant is uncertain due to the absence of conclusive functional and genetic evidence.

Labcorp Genetics (formerly Invitae), Labcorp
Classification: Likely benign for Zellweger spectrum disorders. Last evaluated: 2026-02-02. Review status: criteria provided, single submitter. Criteria: Invitae Variant Classification Sherloc (09022015). Collection method: clinical testing. Allele origin: germline.

Mayo Clinic Laboratories, Mayo Clinic
Classification: Uncertain significance. Last evaluated: 2024-12-06. Review status: criteria provided, single submitter. Criteria: ACMG Guidelines, 2015. Collection method: clinical testing. Allele origin: germline. Observed: 1 variant allele.
Comment: BP4

Department of Pathology and Laboratory Medicine, Sinai Health System
Classification: Uncertain significance for Peroxisome biogenesis disorder 1A (Zellweger); Heimler syndrome 1; Peroxisome biogenesis disorder 1B. Last evaluated: 2022-12-14. Review status: criteria provided, single submitter. Criteria: ACMG Guidelines, 2015. Collection method: research. Allele origin: germline.

Natera, Inc.
Classification: Uncertain significance for Zellweger syndrome. Last evaluated: 2017-10-18. Review status: no assertion criteria provided. Collection method: clinical testing. Allele origin: germline. Not counted in ClinVar's aggregate classification.

NM_000466.3(PEX1):c.898G>T (p.Ala300Ser)

Gene: PEX1 (peroxisomal biogenesis factor 1; minus strand). Cytogenetic location: 7q21.2.
Variant type: single nucleotide variant.
Coding change: c.898G>T on transcript NM_000466.3 (MANE Select); coding-DNA position 898, G replaced by T.
Protein change: p.Ala300Ser; replaces alanine 300 with serine.
Molecular consequence: missense variant.
Genome position (GRCh38, 1-based): chr7:92,517,617, C>A on the plus strand (G>T on the coding strand, the complement: PEX1 is on the minus strand). VCF-style: chr7-92517617-C-A. GRCh37 (hg19) VCF-style: chr7-92146931-C-A.
Other names: p.Ala300Ser; c.898G>T (NM_000466.2); c.898G>T, p.Ala300Ser (NM_001282677.2); c.274G>T, p.Ala92Ser (NM_001282678.2); short protein forms A300S, A92S.
Identifiers: ClinVar variation 1000599 (VCV001000599.16), dbSNP rs751506204, ClinGen allele CA4341522.
Genomic context (GRCh38, chr7:92,517,617, plus strand): 5'-CCTGGTCCCATGGAAATACATGAATGGCACAGTGTTTATGAAAAACAGAGGTTGCTGACG[C>A]GTTATATATACTAGGAGGTTGAGATTTGCATACTCTGAAAATATTGTCTAGAGGAACAAC-3'
Protein context (NP_000457.1, residues 290-310): CKSQPPSIYN[Ala300Ser]SATSVFHKHC